The following is an entry in ClinVar:

NM_001042492.3(NF1):c.5721_5724del (p.Phe1907fs)

Gene: NF1 (neurofibromin 1; plus strand). Cytogenetic location: 17q11.2.
Variant type: Deletion.
Coding change: c.5721_5724del on transcript NM_001042492.3 (MANE Select); coding-DNA positions 5721 to 5724, 4 bases deleted (TATT; older notation c.5721_5724delTATT).
Protein change: p.Phe1907fs; shifts the reading frame from phenylalanine 1907.
Molecular consequence: frameshift variant.
Genome position (GRCh38, 1-based): chr17:31,330,407-31,330,410, TATT deleted; deleting any 4 consecutive bases within chr17:31,330,405-31,330,410 gives the same sequence; the c. name uses the placement nearest the transcript's 3' end. VCF-style (leftmost placement, unchanged base first): chr17-31330404-CTTTA-C. GRCh37 (hg19) VCF-style: chr17-29657422-CTTTA-C.
Other names: c.5658_5661delTATT, p.Phe1886Leufs (NM_000267.4); short protein forms F1886fs, F1907fs.
Identifiers: ClinVar variation 2762845 (VCV002762845.3), dbSNP rs2508718691, ClinGen allele CA2697559552.

ClinVar aggregate classification (germline): Pathogenic (1 of 4 stars; one submission).

Conditions:
Neurofibromatosis, type 1 (NF1). Also called: VON RECKLINGHAUSEN DISEASE; Neurofibromatosis, type I; NEUROFIBROMATOSIS, TYPE I, SOMATIC; Peripheral type neurofibromatosis. Identifiers: Orphanet 636, MedGen C0027831, MONDO:0018975, OMIM 162200. Disease mechanism: loss of function.

Submission:

Labcorp Genetics (formerly Invitae), Labcorp
Classification: Pathogenic for Neurofibromatosis, type 1. Last evaluated: 2023-09-23. Review status: criteria provided, single submitter. Criteria: Invitae Variant Classification Sherloc (09022015). Collection method: clinical testing. Allele origin: germline.
Comment: For these reasons, this variant has been classified as Pathogenic. Algorithms developed to predict the effect of sequence changes on RNA splicing suggest that this variant may disrupt the consensus splice site. This variant has not been reported in the literature in individuals affected with NF1-related conditions. This variant is not present in population databases (gnomAD no frequency). This sequence change creates a premature translational stop signal (p.Phe1886Leufs*17) in the NF1 gene. It is expected to result in an absent or disrupted protein product. Loss-of-function variants in NF1 are known to be pathogenic (PMID: 10712197, 23913538).

Literature cited by the submitters: PubMed 10712197; PubMed 23913538.